The following is an entry in ClinVar:

NM_000044.6(AR):c.1644G>T (p.Leu548Phe)

Gene: AR (androgen receptor; plus strand). Cytogenetic location: Xq12.
Variant type: single nucleotide variant.
Coding change: c.1644G>T on transcript NM_000044.6 (MANE Select); coding-DNA position 1644, G replaced by T.
Protein change: p.Leu548Phe; replaces leucine 548 with phenylalanine.
Molecular consequence: missense variant. On other transcripts: intron variant (1).
Genome position (GRCh38, 1-based): chrX:67,643,283, G>T. VCF-style: chrX-67643283-G-T. GRCh37 (hg19) VCF-style: chrX-66863125-G-T.
Other names: c.48G>T, p.Leu16Phe (NM_001011645.3); c.1644G>T, p.Leu548Phe (NM_001348061.1, NM_001348063.1); c.1617-42658G>T (NM_001348064.1); short protein forms L16F, L548F.
Identifiers: ClinVar variation 1685538 (VCV001685538.5), dbSNP rs139524801, ClinGen allele CA10436491.

ClinVar aggregate classification (germline): Benign. Review status: criteria provided, multiple submitters, no conflicts (2 of 4 stars). 2 submissions from 2 submitters: Benign (2). Last evaluated 2025-02-05.

Conditions:
Prostate cancer, hereditary, X-linked 3. Identifiers: MedGen C5935569, MONDO:0971170, OMIM 301120.
Kennedy disease (SMAX1). Also called: SPINAL AND BULBAR MUSCULAR ATROPHY, X-LINKED 1; KENNEDY SPINAL AND BULBAR MUSCULAR ATROPHY; Spinal and Bulbar Muscular Atrophy. Identifiers: Orphanet 481, MedGen C1839259, MONDO:0010735, OMIM 313200.
Androgen resistance syndrome (AIS). Also called: Androgen insensitivity syndrome due to coactivator deficiency; Androgen insensitivity; ANDROGEN RECEPTOR DEFICIENCY; DIHYDROTESTOSTERONE RECEPTOR DEFICIENCY; DHTR DEFICIENCY; TESTICULAR FEMINIZATION SYNDROME. Identifiers: Orphanet 754, Orphanet 99429, MedGen C0039585, MONDO:0019154, OMIM 300068. Disease mechanism: loss of function.

Allele frequency attached by ClinVar (database versions not stated): gnomAD exomes 0.00015 and 0.00018; ExAC 0.00017; ESP Exome Variant Server 0.00019.
gnomAD v4.1: 186 of 1,209,671 alleles (0.015%); highest among the groups gnomAD compares: Middle Eastern, 0.091%; 1 homozygote.

Submissions (2):

Mendelics
Classification: Benign for Prostate cancer, hereditary, X-linked 3. Last evaluated: 2025-02-05. Review status: criteria provided, single submitter. Criteria: Mendelics Assertion Criteria 2019. Collection method: clinical testing. Allele origin: germline.
Comment: This variant is considered likely benign or benign based on one or more of the following: it is predicted to be benign by multiple in silico algorithms, and/or has population frequency not consistent with disease, and/or has normal protein function, and/or has lack of segregation with disease, and/or has been detected in co-occurrence with known pathogenic variant, and/or has lack of disease association in case-control studies, and/or is located in a region inconsistent with a known cause of pathogenicity.

Labcorp Genetics (formerly Invitae), Labcorp
Classification: Benign for Kennedy disease; Androgen resistance syndrome. Last evaluated: 2024-03-09. Review status: criteria provided, single submitter. Criteria: Invitae Variant Classification Sherloc (09022015). Collection method: clinical testing. Allele origin: germline.